The following is an entry in ClinVar:

NM_005245.4(FAT1):c.5285C>T (p.Ala1762Val)

Gene: FAT1 (FAT atypical cadherin 1; minus strand). Cytogenetic location: 4q35.2.
Variant type: single nucleotide variant.
Coding change: c.5285C>T on transcript NM_005245.4 (MANE Select); coding-DNA position 5285, C replaced by T.
Protein change: p.Ala1762Val; replaces alanine 1762 with valine.
Molecular consequence: missense variant.
Genome position (GRCh38, 1-based): chr4:186,621,301, G>A on the plus strand (C>T on the coding strand, the complement: FAT1 is on the minus strand). VCF-style: chr4-186621301-G-A. GRCh37 (hg19) VCF-style: chr4-187542455-G-A.
Other names: c.5285C>T (NM_005245.3); short protein forms A1762V.
Identifiers: ClinVar variation 2898471 (VCV002898471.4), dbSNP rs376944386, ClinGen allele CA3166492.
Genomic context (GRCh38, chr4:186,621,301, plus strand): 5'-CTGTTAATTGAGGCTGATTCACTAATGAGTCCTGTATATTCTGCCTGCATAAAAACTGGC[G>A]CGTTGTCATTCTCATCCTGCAAGTGAACTAGAACCGTTGTATTAGTGGACAAACCAGCCA-3'
Protein context (NP_005236.2, residues 1752-1772): LVHLQDENDN[Ala1762Val]PVFMQAEYTG

ClinVar aggregate classification (germline): Uncertain significance. Review status: criteria provided, multiple submitters, no conflicts (2 of 4 stars). 2 submissions from 2 submitters: Uncertain significance (2). Last evaluated 2024-12-17.

Allele frequency attached by ClinVar (database versions not stated): ExAC 0.00003; gnomAD 0.00005; TOPMed 0.00006; ESP Exome Variant Server 0.00008; gnomAD exomes 0.00013.
gnomAD v4.1: 196 of 1,613,856 alleles (0.012%); highest among the groups gnomAD compares: Non-Finnish European, 0.016%; no homozygotes.

Submissions (2):

GeneDx
Classification: Uncertain significance. Last evaluated: 2024-12-17. Review status: criteria provided, single submitter. Criteria: GeneDx Variant Classification Process June 2021. Collection method: clinical testing. Allele origin: germline. Affected: yes.
Comment: In silico analysis indicates that this missense variant does not alter protein structure/function; Has not been previously published as pathogenic or benign to our knowledge

Labcorp Genetics (formerly Invitae), Labcorp
Classification: Uncertain significance. Last evaluated: 2023-03-06. Review status: criteria provided, single submitter. Criteria: Invitae Variant Classification Sherloc (09022015). Collection method: clinical testing. Allele origin: germline.
Comment: Advanced modeling of protein sequence and biophysical properties (such as structural, functional, and spatial information, amino acid conservation, physicochemical variation, residue mobility, and thermodynamic stability) performed at Invitae indicates that this missense variant is not expected to disrupt FAT1 protein function. This sequence change replaces alanine, which is neutral and non-polar, with valine, which is neutral and non-polar, at codon 1762 of the FAT1 protein (p.Ala1762Val). This variant is present in population databases (rs376944386, gnomAD 0.007%). This variant has not been reported in the literature in individuals affected with FAT1-related conditions. In summary, the available evidence is currently insufficient to determine the role of this variant in disease. Therefore, it has been classified as a Variant of Uncertain Significance.